The following is an entry in ClinVar:

ClinVar aggregate classification (germline): Uncertain significance (1 of 4 stars; one submission).

Conditions:
RIT1-related disorder. Also called: RIT1-related condition.

Submission:

PreventionGenetics, part of Exact Sciences
Classification: Uncertain significance for RIT1-related condition. Last evaluated: 2023-01-09. Review status: criteria provided, single submitter. Criteria: ACMG Guidelines, 2015. Collection method: clinical testing. Allele origin: germline.
Comment: The RIT1 c.426C>A variant is predicted to result in the amino acid substitution p.Asp142Glu. To our knowledge, this variant has not been reported in the literature or in a large population database, indicating this variant is rare. At this time, the clinical significance of this variant is uncertain due to the absence of conclusive functional and genetic evidence.

NM_006912.6(RIT1):c.375C>A (p.Asp125Glu)

Gene: RIT1 (Ras like without CAAX 1; minus strand). Cytogenetic location: 1q22.
Variant type: single nucleotide variant.
Coding change: c.375C>A on transcript NM_006912.6 (MANE Select); coding-DNA position 375, C replaced by A.
Protein change: p.Asp125Glu; replaces aspartic acid 125 with glutamic acid.
Molecular consequence: missense variant.
Genome position (GRCh38, 1-based): chr1:155,904,365, G>T on the plus strand (C>A on the coding strand, the complement: RIT1 is on the minus strand). VCF-style: chr1-155904365-G-T. GRCh37 (hg19) VCF-style: chr1-155874156-G-T.
Other names: c.267C>A, p.Asp89Glu (NM_001256820.2); c.426C>A, p.Asp142Glu (NM_001256821.2); short protein forms D125E, D142E, D89E.
Identifiers: ClinVar variation 2629681 (VCV002629681.1), dbSNP rs34831194, ClinGen allele CA342802276.